The following is an entry in ClinVar:

ClinVar aggregate classification (germline): Pathogenic. Review status: criteria provided, multiple submitters, no conflicts (2 of 4 stars). 2 submissions from 2 submitters: Pathogenic (2). Last evaluated 2025-09-02.

Conditions:
EPILEPSY, CHILDHOOD ABSENCE, SUSCEPTIBILITY TO, 2 (ECA2). Identifiers: Orphanet 64280, MedGen C1843244, OMIM 607681.
Febrile seizures, familial, 8 (FEB8). Also called: CONVULSIONS, FAMILIAL FEBRILE, 8. Identifiers: Orphanet 36387, MedGen C1969810, MONDO:0011891, OMIM 607681.

Submissions (2):

Labcorp Genetics (formerly Invitae), Labcorp
Classification: Pathogenic for Febrile seizures, familial, 8; EPILEPSY, CHILDHOOD ABSENCE, SUSCEPTIBILITY TO, 2. Last evaluated: 2025-09-02. Review status: criteria provided, single submitter. Criteria: Invitae Variant Classification Sherloc (09022015). Collection method: clinical testing. Allele origin: germline.
Comment: This sequence change replaces asparagine, which is neutral and polar, with lysine, which is basic and polar, at codon 167 of the GABRG2 protein (p.Asn167Lys). This variant is not present in population databases (gnomAD no frequency). This missense change has been observed in individual(s) with GABRG2-related conditions (PMID: 35359574; internal data). In at least one individual the variant was observed to be de novo. ClinVar contains an entry for this variant (Variation ID: 651395). Invitae Evidence Modeling of protein sequence and biophysical properties (such as structural, functional, and spatial information, amino acid conservation, physicochemical variation, residue mobility, and thermodynamic stability) has been performed for this missense variant. However, the output from this modeling did not meet the statistical confidence thresholds required to predict the impact of this variant on GABRG2 protein function. For these reasons, this variant has been classified as Pathogenic.

GeneDx
Classification: Pathogenic. Last evaluated: 2023-03-14. Review status: criteria provided, single submitter. Criteria: GeneDx Variant Classification Process June 2021. Collection method: clinical testing. Allele origin: germline. Affected: yes.
Comment: Not observed at significant frequency in large population cohorts (gnomAD); In silico analysis supports that this missense variant has a deleterious effect on protein structure/function; This variant is associated with the following publications: (PMID: 31440721, 35359574)

Literature cited by the submitters: PubMed 35359574 (cited by Labcorp Genetics (formerly Invitae), Labcorp).

NM_198904.4(GABRG2):c.501C>A (p.Asn167Lys)

Gene: GABRG2 (gamma-aminobutyric acid type A receptor subunit gamma2; plus strand). Cytogenetic location: 5q34.
Variant type: single nucleotide variant.
Coding change: c.501C>A on transcript NM_198904.4 (MANE Select); coding-DNA position 501, C replaced by A.
Protein change: p.Asn167Lys; replaces asparagine 167 with lysine.
Molecular consequence: missense variant.
Genome position (GRCh38, 1-based): chr5:162,097,811, C>A. VCF-style: chr5-162097811-C-A. GRCh37 (hg19) VCF-style: chr5-161524817-C-A.
Other names: c.501C>A, p.Asn167Lys (NM_000816.3, NM_001375340.1, NM_001375341.1 and 4 more transcripts); c.492C>A, p.Asn164Lys (NM_001375339.1); c.435C>A, p.Asn145Lys (NM_001375345.1, NM_001375346.1); c.414C>A, p.Asn138Lys (NM_001375347.1); c.81C>A, p.Asn27Lys (NM_001375348.1, NM_001375350.1); c.216C>A, p.Asn72Lys (NM_001375349.1); short protein forms N167K, N138K, N145K, N164K, N27K, N72K.
Identifiers: ClinVar variation 651395 (VCV000651395.10), dbSNP rs1581351046, ClinGen allele CA362184366.